The following is an entry in ClinVar:

ClinVar aggregate classification (germline): Benign/Likely benign. Review status: criteria provided, multiple submitters, no conflicts (2 of 4 stars). 2 submissions from 2 submitters: Benign (1); Likely benign (1). Last evaluated 2024-09-24.

Conditions:
Focal segmental glomerulosclerosis 2 (FSGS2). Identifiers: Orphanet 656, MedGen C1858915, MONDO:0011390, OMIM 603965.

Allele frequency attached by ClinVar (database versions not stated): gnomAD 0.00003 and 0.00004; TOPMed 0.00003; gnomAD exomes 0.00004 and 0.00010; ExAC 0.00012.

Submissions (2):

Blueprint Genetics
Classification: Likely benign. Last evaluated: 2024-09-24. Review status: criteria provided, single submitter. Criteria: ACMG Guidelines, 2015. Collection method: clinical testing. Allele origin: germline.

Illumina Laboratory Services, Illumina
Classification: Benign for Focal segmental glomerulosclerosis 2. Last evaluated: 2018-01-12. Review status: criteria provided, single submitter. Criteria: ICSL Variant Classification Criteria 13 December 2019. Collection method: clinical testing. Allele origin: germline.
Comment: This variant was observed in the ICSL laboratory as part of a predisposition screen in an ostensibly healthy population. It had not been previously curated by ICSL or reported in the Human Gene Mutation Database (HGMD: prior to June 1st, 2018), and was therefore a candidate for classification through an automated scoring system. Utilizing variant allele frequency, disease prevalence and penetrance estimates, and inheritance mode, an automated score was calculated to assess if this variant is too frequent to cause the disease. Based on the score and internal cut-off values, a variant classified as benign is not then subjected to further curation. The score for this variant resulted in a classification of benign for this disease.

NM_004621.6(TRPC6):c.*13C>T

Gene: TRPC6 (transient receptor potential cation channel subfamily C member 6; minus strand). Cytogenetic location: 11q22.1.
Variant type: single nucleotide variant.
Coding change: c.*13C>T on transcript NM_004621.6 (MANE Select); 13 bases downstream of the stop codon, C replaced by T.
Molecular consequence: 3 prime UTR variant.
Genome position (GRCh38, 1-based): chr11:101,452,942, G>A on the plus strand (C>T on the coding strand, the complement: TRPC6 is on the minus strand). VCF-style: chr11-101452942-G-A. GRCh37 (hg19) VCF-style: chr11-101323673-G-A.
Identifiers: ClinVar variation 301896 (VCV000301896.6), dbSNP rs200791047, ClinGen allele CA6244012.